The following is an entry in ClinVar:

NM_001079872.2(CUL4B):c.2300T>C (p.Leu767Ser)

Gene: CUL4B (cullin 4B; minus strand). Cytogenetic location: Xq24.
Variant type: single nucleotide variant.
Coding change: c.2300T>C on transcript NM_001079872.2 (MANE Select); coding-DNA position 2300, T replaced by C.
Protein change: p.Leu767Ser; replaces leucine 767 with serine.
Molecular consequence: missense variant.
Genome position (GRCh38, 1-based): chrX:120,532,561, A>G on the plus strand (T>C on the coding strand, the complement: CUL4B is on the minus strand). VCF-style: chrX-120532561-A-G. GRCh37 (hg19) VCF-style: chrX-119666416-A-G.
Other names: c.2315T>C, p.Leu772Ser (NM_001330624.2); c.1766T>C, p.Leu589Ser (NM_001369145.1); c.2354T>C, p.Leu785Ser (NM_003588.4); short protein forms L589S, L767S, L772S, L785S.
Identifiers: ClinVar variation 2576852 (VCV002576852.2), dbSNP rs2521057291, ClinGen allele CA414194127.

ClinVar aggregate classification (germline): Uncertain significance (1 of 4 stars; one submission).

Submission:

GeneDx
Classification: Uncertain significance. Last evaluated: 2024-04-15. Review status: criteria provided, single submitter. Criteria: GeneDx Variant Classification Process June 2021. Collection method: clinical testing. Allele origin: germline.
Comment: Not observed at significant frequency in large population cohorts (gnomAD); In silico analysis supports that this missense variant has a deleterious effect on protein structure/function; Has not been previously published as pathogenic or benign to our knowledge